The following is an entry in ClinVar:

ClinVar aggregate classification (germline): Pathogenic (1 of 4 stars; one submission).

Conditions:
Autosomal recessive limb-girdle muscular dystrophy type 2Y (MRRSDC). Also called: Muscular dystrophy, limb-girdle, type 2y; Muscular dystrophy, autosomal recessive, with rigid spine and distal joint contractures. Identifiers: Orphanet 424261, MedGen C4511482, MONDO:0014900, OMIM 617072.

Submission:

Labcorp Genetics (formerly Invitae), Labcorp
Classification: Pathogenic for Autosomal recessive limb-girdle muscular dystrophy type 2Y. Last evaluated: 2026-01-08. Review status: criteria provided, single submitter. Criteria: Invitae Variant Classification Sherloc (09022015). Collection method: clinical testing. Allele origin: germline.
Comment: This sequence change creates a premature translational stop signal (p.Arg125*) in the TOR1AIP1 gene. It is expected to result in an absent or disrupted protein product. Loss-of-function variants in TOR1AIP1 are known to be pathogenic (PMID: 24856141, 27342937). This variant is not present in population databases (gnomAD no frequency). This variant has not been reported in the literature in individuals affected with TOR1AIP1-related conditions. For these reasons, this variant has been classified as Pathogenic.

Literature cited by the submitters: PubMed 24856141; PubMed 27342937.

NM_015602.4(TOR1AIP1):c.373C>T (p.Arg125Ter)

Genes: TOR1AIP1 (torsin 1A interacting protein 1; plus strand), LOC112577517 (Sharpr-MPRA regulatory region 13766; plus strand). Cytogenetic location: 1q25.2.
Variant type: single nucleotide variant.
Coding change: c.373C>T on transcript NM_015602.4 (MANE Select); coding-DNA position 373, C replaced by T.
Protein change: p.Arg125Ter; replaces arginine 125 with a stop codon.
Molecular consequence: nonsense.
Genome position (GRCh38, 1-based): chr1:179,882,875, C>T. VCF-style: chr1-179882875-C-T. GRCh37 (hg19) VCF-style: chr1-179852010-C-T.
Other names: c.373C>T, p.Arg125Ter (NM_001267578.2); short protein forms R125*.
Identifiers: ClinVar variation 4804714 (VCV004804714.1).